The following is an entry in ClinVar:

ClinVar aggregate classification (germline): Uncertain significance (1 of 4 stars; one submission).

Submission:

GeneDx
Classification: Uncertain significance. Last evaluated: 2024-06-07. Review status: criteria provided, single submitter. Criteria: GeneDx Variant Classification Process June 2021. Collection method: clinical testing. Allele origin: germline. Affected: yes.
Comment: Not observed at significant frequency in large population cohorts (gnomAD); In silico analysis supports that this missense variant has a deleterious effect on protein structure/function; Has not been previously published as pathogenic or benign to our knowledge

NM_001613.4(ACTA2):c.449C>A (p.Thr150Lys)

Gene: ACTA2 (actin alpha 2, smooth muscle; minus strand). Cytogenetic location: 10q23.31.
Variant type: single nucleotide variant.
Coding change: c.449C>A on transcript NM_001613.4 (MANE Select); coding-DNA position 449, C replaced by A.
Protein change: p.Thr150Lys; replaces threonine 150 with lysine.
Molecular consequence: missense variant.
Genome position (GRCh38, 1-based): chr10:88,941,790, G>T on the plus strand (C>A on the coding strand, the complement: ACTA2 is on the minus strand). VCF-style: chr10-88941790-G-T. GRCh37 (hg19) VCF-style: chr10-90701547-G-T.
Other names: c.449C>A, p.Thr150Lys (NM_001141945.3, NM_001320855.2, NM_001406462.1 and 3 more transcripts); c.338C>A, p.Thr113Lys (NM_001406466.1); c.320C>A, p.Thr107Lys (NM_001406467.1, NM_001406468.1, NM_001406469.1); short protein forms T107K, T113K, T150K.
Identifiers: ClinVar variation 3384648 (VCV003384648.1).